The following is an entry in ClinVar:

NM_206933.4(USH2A):c.14111del (p.Pro4704fs)

Gene: USH2A (usherin; minus strand). Cytogenetic location: 1q41.
Variant type: Deletion.
Coding change: c.14111del on transcript NM_206933.4 (MANE Select); coding-DNA position 14111, one base deleted (C; older notation c.14111delC).
Protein change: p.Pro4704fs; shifts the reading frame from proline 4704.
Molecular consequence: frameshift variant.
Genome position (GRCh38, 1-based): chr1:215,670,994, G deleted on the plus strand (C on the coding strand, the reverse complement: USH2A is on the minus strand); the first of 2 consecutive G bases (chr1:215,670,994-215,670,995); deleting either gives the same sequence. VCF-style (leftmost placement, unchanged base first): chr1-215670993-AG-A. GRCh37 (hg19) VCF-style: chr1-215844335-AG-A.
Other names: short protein forms P4704fs.
Identifiers: ClinVar variation 4081853 (VCV004081853.1).
Genomic context (GRCh38, chr1:215,670,993, plus strand): 5'-AACAATCAGCTCGAATTGTTTATAATACACATTTCTTACCTGATACTCATACTCTGTGAA[AG>A]GCAATAGTTCGGAATCTATAAAAGATGTTGAGCTTCCGTTATAGATTAGGACTGGATTGG-3'

ClinVar aggregate classification (germline): Pathogenic (1 of 4 stars; one submission).

Conditions:
USH2A-related disorder. Also called: USH2A-related condition; USH2A-related disorders. Identifiers: MedGen CN239332.

Submission:

Myriad Genetics, Inc.
Classification: Pathogenic for USH2A-related disorder. Last evaluated: 2025-05-06. Review status: criteria provided, single submitter. Criteria: Myriad Autosomal Dominant, Autosomal Recessive and X-Linked Classification Criteria (2023). Collection method: clinical testing. Allele origin: unknown.
Comment: NM_206933.2(USH2A):c.14111delC(P4704Lfs*12) is a frameshift variant classified as pathogenic in the context of USH2A-related disorders. P4704Lfs*12 has not been observed in cases with relevant disease. Relevant functional assessments of this variant are not available in the literature. P4704Lfs*12 has not been observed in referenced population frequency databases. In summary, NM_206933.2(USH2A):c.14111delC(P4704Lfs*12) is a frameshift variant in a gene where loss of function is a known mechanism of disease and is predicted to disrupt protein function. Please note: this variant was assessed in the context of healthy population screening.